The following is an entry in ClinVar:

NM_000474.4(TWIST1):c.290_294del (p.Gly97fs)

Gene: TWIST1 (twist family bHLH transcription factor 1; minus strand). Cytogenetic location: 7p21.1.
Variant type: Deletion.
Coding change: c.290_294del on transcript NM_000474.4 (MANE Select); coding-DNA positions 290 to 294, 5 bases deleted (GCGGG; older notation c.290_294delGCGGG).
Protein change: p.Gly97fs; shifts the reading frame from glycine 97.
Molecular consequence: frameshift variant. On other transcripts: non-coding transcript variant (1).
Genome position (GRCh38, 1-based): chr7:19,117,028-19,117,032, CCCGC deleted on the plus strand (GCGGG on the coding strand, the reverse complement: TWIST1 is on the minus strand); deleting any 5 consecutive bases within chr7:19,117,028-19,117,033 gives the same sequence; the c. name uses the placement nearest the transcript's 3' end. VCF-style (leftmost placement, unchanged base first): chr7-19117027-TCCCGC-T. GRCh37 (hg19) VCF-style: chr7-19156650-TCCCGC-T.
Other names: short protein forms G97fs.
Identifiers: ClinVar variation 2941524 (VCV002941524.3), dbSNP rs2486050139, ClinGen allele CA2740097308.
Genomic context (GRCh38, chr7:19,117,027, plus strand): 5'-GGCGCTCCCGCACGTTGGCCATGACCCGCTGCGTCTGCAGCTCCTCGTAAGACTGCGGAC[TCCCGC>T]CGCCGCTGCTGCTGCCGCCGCCGCCGCCCGCGCCGCCGCCGCCGCCACAGCCCGCAGACT-3'

ClinVar aggregate classification (germline): Pathogenic (1 of 4 stars; one submission).

Conditions:
TWIST1-related craniosynostosis (CRS1). Also called: CRANIOSYNOSTOSIS 1. Identifiers: Orphanet 63440, MedGen C4551902, MONDO:0007399, OMIM 123100. Inheritance: Heterogenous inheritance pattern.
Saethre-Chotzen syndrome (SCS). Also called: ACROCEPHALY, SKULL ASYMMETRY, AND MILD SYNDACTYLY; ACS III; CHOTZEN SYNDROME. Identifiers: Orphanet 794, MedGen C0175699, MONDO:0007042, OMIM 101400.

Submission:

Labcorp Genetics (formerly Invitae), Labcorp
Classification: Pathogenic for TWIST1-related craniosynostosis; Saethre-Chotzen syndrome. Last evaluated: 2022-11-24. Review status: criteria provided, single submitter. Criteria: Invitae Variant Classification Sherloc (09022015). Collection method: clinical testing. Allele origin: germline.
Comment: For these reasons, this variant has been classified as Pathogenic. This variant results in an extension of the TWIST1 protein. Other variant(s) that result in a similarly extended protein product (p.Thr137Hisfs*101) have been determined to be pathogenic (PMID: 24127277; Invitae). This suggests that these extensions are likely to be disease-causing. This variant has not been reported in the literature in individuals affected with TWIST1-related conditions. This variant is not present in population databases (gnomAD no frequency). This sequence change results in a frameshift in the TWIST1 gene (p.Gly97Glufs*139). While this is not anticipated to result in nonsense mediated decay, it is expected to disrupt the last 106 amino acid(s) of the TWIST1 protein and extend the protein by 32 additional amino acid residues.

Literature cited by the submitters: PubMed 24127277.